The following is an entry in ClinVar:

ClinVar aggregate classification (germline): Likely pathogenic (1 of 4 stars; one submission).

Conditions:
Primary ciliary dyskinesia. Also called: Ciliary dyskinesia. Identifiers: Orphanet 244, MedGen C0008780, MONDO:0016575, HP:0012265.

gnomAD v4.1: 1 of 1,561,212 alleles (0.000064%); highest among the groups gnomAD compares: Non-Finnish European, 0.000087%; no homozygotes.

Submission:

Labcorp Genetics (formerly Invitae), Labcorp
Classification: Likely pathogenic for Primary ciliary dyskinesia. Last evaluated: 2024-03-13. Review status: criteria provided, single submitter. Criteria: Invitae Variant Classification Sherloc (09022015). Collection method: clinical testing. Allele origin: germline.
Comment: This sequence change affects an acceptor splice site in intron 87 of the DNAH8 gene. It is expected to disrupt RNA splicing. Variants that disrupt the donor or acceptor splice site typically lead to a loss of protein function (PMID: 16199547), and loss-of-function variants in DNAH8 are known to be pathogenic (PMID: 24307375, 32619401, 32681648). This variant is not present in population databases (gnomAD no frequency). This variant has not been reported in the literature in individuals affected with DNAH8-related conditions. Algorithms developed to predict the effect of sequence changes on RNA splicing suggest that this variant may disrupt the consensus splice site. In summary, the currently available evidence indicates that the variant is pathogenic, but additional data are needed to prove that conclusively. Therefore, this variant has been classified as Likely Pathogenic.

Literature cited by the submitters: PubMed 16199547; PubMed 24307375; PubMed 32619401; PubMed 32681648.

NM_001206927.2(DNAH8):c.13054-2A>G

Gene: DNAH8 (dynein axonemal heavy chain 8; plus strand). Cytogenetic location: 6p21.2.
Variant type: single nucleotide variant.
Coding change: c.13054-2A>G on transcript NM_001206927.2 (MANE Select); the canonical splice acceptor site of the intron before coding-DNA position 13054, A replaced by G.
Molecular consequence: splice acceptor variant.
Genome position (GRCh38, 1-based): chr6:38,990,010, A>G. VCF-style: chr6-38990010-A-G. GRCh37 (hg19) VCF-style: chr6-38957786-A-G.
Other names: c.12403-2A>G (NM_001371.4).
Identifiers: ClinVar variation 3694353 (VCV003694353.2).